The following is an entry in ClinVar:

ClinVar aggregate classification (germline): Uncertain significance (1 of 4 stars; one submission).

Submission:

Labcorp Genetics (formerly Invitae), Labcorp
Classification: Uncertain significance. Last evaluated: 2024-11-13. Review status: criteria provided, single submitter. Criteria: Invitae Variant Classification Sherloc (09022015). Collection method: clinical testing. Allele origin: germline.
Comment: This sequence change falls in intron 2 of the TUBB1 gene. It does not directly change the encoded amino acid sequence of the TUBB1 protein. It affects a nucleotide within the consensus splice site. This variant is not present in population databases (gnomAD no frequency). This variant has not been reported in the literature in individuals affected with TUBB1-related conditions. Variants that disrupt the consensus splice site are a relatively common cause of aberrant splicing (PMID: 17576681, 9536098). Algorithms developed to predict the effect of sequence changes on RNA splicing suggest that this variant is not likely to affect RNA splicing. In summary, the available evidence is currently insufficient to determine the role of this variant in disease. Therefore, it has been classified as a Variant of Uncertain Significance.

Literature cited by the submitters: PubMed 17576681; PubMed 9536098.

NM_030773.4(TUBB1):c.166+4G>C

Gene: TUBB1 (tubulin beta 1 class VI; plus strand). Cytogenetic location: 20q13.32.
Variant type: single nucleotide variant.
Coding change: c.166+4G>C on transcript NM_030773.4 (MANE Select); 4 bases into the intron after coding-DNA position 166, G replaced by C.
Molecular consequence: intron variant.
Genome position (GRCh38, 1-based): chr20:59,022,957, G>C. VCF-style: chr20-59022957-G-C. GRCh37 (hg19) VCF-style: chr20-57598012-G-C.
Identifiers: ClinVar variation 3725207 (VCV003725207.2).